The following is an entry in ClinVar:

NM_000384.3(APOB):c.7227T>G (p.Phe2409Leu)

Gene: APOB (apolipoprotein B; minus strand). Cytogenetic location: 2p24.1.
Variant type: single nucleotide variant.
Coding change: c.7227T>G on transcript NM_000384.3 (MANE Select); coding-DNA position 7227, T replaced by G.
Protein change: p.Phe2409Leu; replaces phenylalanine 2409 with leucine.
Molecular consequence: missense variant.
Genome position (GRCh38, 1-based): chr2:21,009,641, A>C on the plus strand (T>G on the coding strand, the complement: APOB is on the minus strand). VCF-style: chr2-21009641-A-C. GRCh37 (hg19) VCF-style: chr2-21232513-A-C.
Other names: short protein forms F2409L.
Identifiers: ClinVar variation 5026822 (VCV005026822.1).
Genomic context (GRCh38, chr2:21,009,641, plus strand): 5'-TGACTTTAATTTCTTTATCAACATGTCAAGGAATTTGTTAACATCTTCAATGAATGTTTT[A>C]AAAGATAATTCATTAAGCTTCTTGACAGCATCATCAATAAATCCAACCAATTTCTCAAAG-3'
Protein context (NP_000375.3, residues 2399-2419): DAVKKLNELS[Phe2409Leu]KTFIEDVNKF

ClinVar aggregate classification (germline): Uncertain significance (1 of 4 stars; one submission).

Conditions:
Cardiovascular phenotype. Identifiers: MedGen CN230736.

Submission:

Ambry Genetics
Classification: Uncertain significance for Cardiovascular phenotype. Last evaluated: 2026-07-01. Review status: criteria provided, single submitter. Criteria: Ambry Variant Classification Scheme 2023. Collection method: clinical testing. Allele origin: germline.
Comment: The p.F2409L variant (also known as c.7227T>G), located in coding exon 26 of the APOB gene, results from a T to G substitution at nucleotide position 7227. The phenylalanine at codon 2409 is replaced by leucine, an amino acid with highly similar properties. This amino acid position is conserved. In addition, this alteration is predicted to be tolerated by in silico analysis. Based on the available evidence, the clinical significance of this variant remains unclear.